The following is an entry in ClinVar:

NM_004036.5(ADCY3):c.2670del (p.Leu891fs)

Gene: ADCY3 (adenylate cyclase 3; minus strand). Cytogenetic location: 2p23.3.
Variant type: Deletion.
Coding change: c.2670del on transcript NM_004036.5 (MANE Select); coding-DNA position 2670, one base deleted (C; older notation c.2670delC).
Protein change: p.Leu891fs; shifts the reading frame from leucine 891.
Molecular consequence: frameshift variant.
Genome position (GRCh38, 1-based): chr2:24,824,444, G deleted on the plus strand (C on the coding strand, the reverse complement: ADCY3 is on the minus strand); the first of 2 consecutive G bases (chr2:24,824,444-24,824,445); deleting either gives the same sequence. VCF-style (leftmost placement, unchanged base first): chr2-24824443-AG-A. GRCh37 (hg19) VCF-style: chr2-25047312-AG-A.
Other names: c.2673del, p.Leu892fs (NM_001320613.2); c.2736del, p.Leu913fs (NM_001377128.1); c.2532del, p.Leu845fs (NM_001377129.1); c.2265del, p.Leu756fs (NM_001377130.1); c.1947del, p.Leu650fs (NM_001377131.1); c.2670del, p.Leu891fs (NM_001377132.1); short protein forms L650fs, L845fs, L892fs, L756fs, L891fs, L913fs.
Identifiers: ClinVar variation 4983849 (VCV004983849.1).

ClinVar aggregate classification (germline): Likely pathogenic (1 of 4 stars; one submission).

Conditions:
ADCY3-related disorder. Also called: ADCY3-related condition.

Submission:

PreventionGenetics, part of Exact Sciences
Classification: Likely pathogenic for ADCY3-related condition. Last evaluated: 2025-08-14. Review status: criteria provided, single submitter. Criteria: ACMG Guidelines, 2015. Collection method: clinical testing. Allele origin: germline.
Comment: The ADCY3 c.2673delC variant is predicted to result in a frameshift and premature protein termination (p.Leu892Trpfs*80). To our knowledge, this variant has not been reported in the literature or in a large population database (gnomAD), indicating this variant is rare. Frameshift variants in ADCY3 are expected to be pathogenic. This variant is interpreted as likely pathogenic.